The following is an entry in ClinVar:

NM_001348323.3(TRIP12):c.8A>C (p.Asn3Thr)

Gene: TRIP12 (thyroid hormone receptor interactor 12; minus strand). Cytogenetic location: 2q36.3.
Variant type: single nucleotide variant.
Coding change: c.8A>C on transcript NM_001348323.3 (MANE Select); coding-DNA position 8, A replaced by C.
Protein change: p.Asn3Thr; replaces asparagine 3 with threonine.
Molecular consequence: missense variant.
Genome position (GRCh38, 1-based): chr2:229,880,072, T>G on the plus strand (A>C on the coding strand, the complement: TRIP12 is on the minus strand). VCF-style: chr2-229880072-T-G. GRCh37 (hg19) VCF-style: chr2-230744788-T-G.
Other names: c.8A>C, p.Asn3Thr (NM_001284214.2, NM_001284215.2, NM_001284216.2 and 22 more transcripts); short protein forms N3T.
Identifiers: ClinVar variation 3254926 (VCV003254926.1), dbSNP rs746096308.

ClinVar aggregate classification (germline): Uncertain significance (1 of 4 stars; one submission).

Conditions:
Clark-Baraitser syndrome. Also called: MENTAL RETARDATION, AUTOSOMAL DOMINANT 49; BARAITSER SYNDROME; Mental retardation, tall stature, obesity, macrocephaly and typical facial features; Intellectual disability, autosomal dominant 49. Identifiers: Orphanet 600731, MedGen C2931130, MONDO:0030914, OMIM 617752.

gnomAD v4.1: 2 of 1,614,172 alleles (0.00012%); highest among the groups gnomAD compares: South Asian, 0.0022%; no homozygotes.

Submission:

Victorian Clinical Genetics Services, Murdoch Childrens Research Institute
Classification: Uncertain significance for Clark-Baraitser syndrome. Last evaluated: 2023-07-17. Review status: criteria provided, single submitter. Criteria: ACMG Guidelines, 2015. Collection method: clinical testing. Allele origin: germline. Inheritance: Autosomal dominant inheritance. Affected: yes.
Comment: Based on the classification scheme VCGS_Germline_v1.3.4, this variant is classified as VUS-3C. Following criteria are met: 0102 - Loss of function is a known mechanism of disease in this gene and is associated with intellectual developmental disorder, autosomal dominant 49 (MIM#617752). (I) 0107 - This gene is associated with autosomal dominant disease. (I) 0200 - Variant is predicted to result in a missense amino acid change from asparagine to threonine. (I) 0251 - This variant is heterozygous. (I) 0302 - Variant is present in gnomAD (v2) <0.001 for a dominant condition (2 heterozygotes, 0 homozygotes). (SP) 0309 - Multiple alternative amino acid changes at the same position have been observed in gnomAD (v2 & v3) (highest allele count: 6 heterozygotes, 0 homozygotes). (I) 0502 - Missense variant with conflicting in silico predictions and uninformative conservation. (I) 0604 - Variant is not located in an established domain, motif, hotspot or informative constraint region. (I) 0705 - No comparable missense variants have previous evidence for pathogenicity. (I) 0807 - This variant has no previous evidence of pathogenicity. (I) 0905 - No published segregation evidence has been identified for this variant. (I) 1007 - No published functional evidence has been identified for this variant. (I) 1208 - Inheritance information for this variant is not currently available in this individual. (I) Legend: (SP) - Supporting pathogenic, (I) - Information, (SB) - Supporting benign